The following is an entry in ClinVar:

NM_178012.5(TUBB2B):c.638G>A (p.Arg213His)

Gene: TUBB2B (tubulin beta 2B class IIb; minus strand). Cytogenetic location: 6p25.2.
Variant type: single nucleotide variant.
Coding change: c.638G>A on transcript NM_178012.5 (MANE Select); coding-DNA position 638, G replaced by A.
Protein change: p.Arg213His; replaces arginine 213 with histidine.
Molecular consequence: missense variant.
Genome position (GRCh38, 1-based): chr6:3,225,451, C>T on the plus strand (G>A on the coding strand, the complement: TUBB2B is on the minus strand). VCF-style: chr6-3225451-C-T. GRCh37 (hg19) VCF-style: chr6-3225685-C-T.
Other names: short protein forms R213H.
Identifiers: ClinVar variation 3781205 (VCV003781205.1).
Genomic context (GRCh38, chr6:3,225,451, plus strand): 5'-ATGGTGGCCGACACCAGGTGGTTGAGGTCCCCGTAGGTGGGGGTGGTCAGCTTCAGGGTG[C>T]GGAAGCAGATGTCATACAGGGCCTCGTTGTCAATGCAGTAGGTTTCATCTGTGTTTTCCA-3'
Protein context (NP_821080.1, residues 203-223): DNEALYDICF[Arg213His]TLKLTTPTYG

ClinVar aggregate classification (germline): Uncertain significance (1 of 4 stars; one submission).

Submission:

GeneDx
Classification: Uncertain significance. Last evaluated: 2024-10-20. Review status: criteria provided, single submitter. Criteria: GeneDx Variant Classification Process June 2021. Collection method: clinical testing. Allele origin: germline. Affected: yes.
Comment: Not observed at significant frequency in large population cohorts (gnomAD); Missense variants in this gene are a common cause of disease and they are underrepresented in the general population; In silico analysis supports that this missense variant has a deleterious effect on protein structure/function; Has not been previously published as pathogenic or benign to our knowledge; This variant is associated with the following publications: (PMID: 24860126)